The following is an entry in ClinVar:

NM_001035.3(RYR2):c.1115T>A (p.Leu372His)

Gene: RYR2 (ryanodine receptor 2; plus strand). Cytogenetic location: 1q43.
Variant type: single nucleotide variant.
Coding change: c.1115T>A on transcript NM_001035.3 (MANE Select); coding-DNA position 1115, T replaced by A.
Protein change: p.Leu372His; replaces leucine 372 with histidine.
Molecular consequence: missense variant.
Genome position (GRCh38, 1-based): chr1:237,441,428, T>A. VCF-style: chr1-237441428-T-A. GRCh37 (hg19) VCF-style: chr1-237604728-T-A.
Other names: short protein forms L372H.
Identifiers: ClinVar variation 839325 (VCV000839325.27), dbSNP rs763658621, ClinGen allele CA084794.
Genomic context (GRCh38, chr1:237,441,428, plus strand): 5'-CTGAAATAAAATACGGTGACTCAGTATGCTATATACAACATGTAGACACAGGCCTATGGC[T>A]TACTTACCAGTCTGTGGACGTGAAATCCGTGAGAATGGGATCTATACAACGTAAGGTAAG-3'
Protein context (NP_001026.2, residues 362-382): YIQHVDTGLW[Leu372His]TYQSVDVKSV

ClinVar aggregate classification (germline): Uncertain significance. Review status: criteria provided, multiple submitters, no conflicts (2 of 4 stars). 6 submissions from 6 submitters: Uncertain significance (6). Last evaluated 2026-03-02.

Conditions:
Catecholaminergic polymorphic ventricular tachycardia 1. Also called: RYR2-Related Catecholaminergic Polymorphic Ventricular Tachycardia; VENTRICULAR TACHYCARDIA, CATECHOLAMINERGIC POLYMORPHIC, 1, WITH OR WITHOUT ATRIAL DYSFUNCTION AND/OR DILATED CARDIOMYOPATHY; VENTRICULAR TACHYCARDIA, STRESS-INDUCED POLYMORPHIC 1. Identifiers: Orphanet 3286, MedGen C1631597, MONDO:0011484, OMIM 604772.
Arrhythmogenic right ventricular dysplasia 2. Identifiers: MedGen C1832931.
Ventricular arrhythmias due to cardiac ryanodine receptor calcium release deficiency syndrome. Also called: Autosomal dominant cardiac arrhythmia (Kuhn). Identifiers: MedGen C5542154, MONDO:0020745, OMIM 115000.
Cardiomyopathy (CMYO). Also called: Cardiomyopathies. Identifiers: Orphanet 167848, MedGen C0878544, MONDO:0004994, HP:0001638. Inheritance: Various modes of inheritance.
Cardiovascular phenotype. Identifiers: MedGen CN230736.

Allele frequency attached by ClinVar (database versions not stated): ExAC 0.00001; gnomAD 0.00001; gnomAD exomes 0.00002; TOPMed 0.00002.
gnomAD v4.1: 35 of 1,608,732 alleles (0.0022%); highest among the groups gnomAD compares: Non-Finnish European, 0.0026%; no homozygotes.

Submissions (6):

Ambry Genetics
Classification: Uncertain significance for Cardiovascular phenotype. Last evaluated: 2026-03-02. Review status: criteria provided, single submitter. Criteria: Ambry Variant Classification Scheme 2023. Collection method: clinical testing. Allele origin: germline.
Comment: The p.L372H variant (also known as c.1115T>A), located in coding exon 13 of the RYR2 gene, results from a T to A substitution at nucleotide position 1115. The leucine at codon 372 is replaced by histidine, an amino acid with similar properties. This variant was reported in an individual with atrioventricular nodal reentry tachycardia (Andreasen L et al. Eur J Hum Genet, 2018 May;26:660-668). This amino acid position is highly conserved in available vertebrate species. In addition, this alteration is predicted to be deleterious by in silico analysis. Based on the available evidence, the clinical significance of this variant remains unclear.

Labcorp Genetics (formerly Invitae), Labcorp
Classification: Uncertain significance for Catecholaminergic polymorphic ventricular tachycardia 1. Last evaluated: 2025-01-27. Review status: criteria provided, single submitter. Criteria: Invitae Variant Classification Sherloc (09022015). Collection method: clinical testing. Allele origin: germline.
Comment: This sequence change replaces leucine, which is neutral and non-polar, with histidine, which is basic and polar, at codon 372 of the RYR2 protein (p.Leu372His). This variant is present in population databases (rs763658621, gnomAD 0.007%). This variant has not been reported in the literature in individuals affected with RYR2-related conditions. ClinVar contains an entry for this variant (Variation ID: 839325). Invitae Evidence Modeling of protein sequence and biophysical properties (such as structural, functional, and spatial information, amino acid conservation, physicochemical variation, residue mobility, and thermodynamic stability) indicates that this missense variant is expected to disrupt RYR2 protein function with a positive predictive value of 95%. In summary, the available evidence is currently insufficient to determine the role of this variant in disease. Therefore, it has been classified as a Variant of Uncertain Significance.

CeGaT Center for Human Genetics Tuebingen
Classification: Uncertain significance. Last evaluated: 2024-09-01. Review status: criteria provided, single submitter. Criteria: CeGaT Center For Human Genetics Tuebingen Variant Classification Criteria Version 2. Collection method: clinical testing. Allele origin: germline. Affected: yes. Observed: 1 variant allele.

Color Diagnostics, LLC DBA Color Health
Classification: Uncertain significance for Cardiomyopathy. Last evaluated: 2024-05-16. Review status: criteria provided, single submitter. Criteria: ACMG Guidelines, 2015. Collection method: clinical testing. Allele origin: germline.
Comment: This missense variant replaces leucine with histidine at codon 372 of the RYR2 protein. Computational prediction suggests that this variant may have deleterious impact on protein structure and function. To our knowledge, functional studies have not been reported for this variant. This variant has been affected with atrioventricular nodal reentry tachycardia (PMID: 29396561). This variant has been identified in 4/246216 chromosomes in the general population by the Genome Aggregation Database (gnomAD). The available evidence is insufficient to determine the role of this variant in disease conclusively. Therefore, this variant is classified as a Variant of Uncertain Significance.

AiLife Diagnostics
Classification: Uncertain significance. Last evaluated: 2021-10-04. Review status: criteria provided, single submitter. Criteria: ACMG Guidelines, 2015. Collection method: clinical testing. Allele origin: germline. Affected: yes. Observed: 1 variant allele.

Fulgent Genetics
Classification: Uncertain significance for Ventricular arrhythmias due to cardiac ryanodine receptor calcium release deficiency syndrome; Catecholaminergic polymorphic ventricular tachycardia 1. Last evaluated: 2021-09-16. Review status: criteria provided, single submitter. Criteria: ACMG Guidelines, 2015. Collection method: clinical testing. Allele origin: unknown.

Literature cited by the submitters: PubMed 29396561 (cited by Ambry Genetics and Color Diagnostics, LLC DBA Color Health).